The following is an entry in ClinVar:

NM_000203.5(IDUA):c.623G>T (p.Gly208Val)

Gene: IDUA (alpha-L-iduronidase; plus strand). Cytogenetic location: 4p16.3.
Variant type: single nucleotide variant.
Coding change: c.623G>T on transcript NM_000203.5 (MANE Select); coding-DNA position 623, G replaced by T.
Protein change: p.Gly208Val; replaces glycine 208 with valine.
Molecular consequence: missense variant. On other transcripts: non-coding transcript variant (1).
Genome position (GRCh38, 1-based): chr4:1,001,712, G>T. VCF-style: chr4-1001712-G-T. GRCh37 (hg19) VCF-style: chr4-995500-G-T.
Other names: p.Gly208Val; c.227G>T, p.Gly76Val (NM_001363576.1); c.623G>T (NM_000203.4); short protein forms G76V, G208V.
Identifiers: ClinVar variation 3591555 (VCV003591555.3).

ClinVar aggregate classification (germline): Likely pathogenic. Review status: criteria provided, multiple submitters, no conflicts (2 of 4 stars). 3 submissions from 3 submitters: Likely pathogenic (3). Last evaluated 2026-01-17.

Conditions:
Mucopolysaccharidosis, MPS-I-H/S. Also called: Mucopolysaccharidosis type IH/S. Identifiers: Orphanet 93476, MedGen C0086431, MONDO:0011759, OMIM 607015.
Mucopolysaccharidosis, MPS-I-S. Also called: MPS V; MUCOPOLYSACCHARIDOSIS TYPE V; Scheie Syndrome; MUCOPOLYSACCHARIDOSIS TYPE IS. Identifiers: Orphanet 93474, MedGen C0026708, MONDO:0011760, OMIM 607016.
Hurler syndrome. Also called: Gargoylism, Hurler Syndrome; MUCOPOLYSACCHARIDOSIS TYPE IH; Severe MPS I (Hurler Syndrome). Identifiers: Orphanet 93473, MedGen C0086795, MONDO:0011758, OMIM 607014.
Mucopolysaccharidosis type 1. Also called: IDUA deficiency; MPS I; Mucopolysaccharidosis Type I. Identifiers: Orphanet 579, MedGen C0023786, MONDO:0001586.

Submissions (3):

Department of Molecular Genetics, Istishari Arab Hospital
Classification: Likely pathogenic for Mucopolysaccharidosis, MPS-I-S. Last evaluated: 2026-01-17. Review status: criteria provided, single submitter. Criteria: ACMG Guidelines, 2015. Collection method: clinical testing. Allele origin: germline. Inheritance: Autosomal recessive inheritance. Affected: yes.
Comment: The IDUA variant c.623G>T p.Gly208Val creates a change in the reading frame from Gly to Val at position 208. This variant is observed with very low frequency (<0.001) in the gnomAD v4.1.0 dataset. ClinVar lists this variant with interpretation (Likely Pathogenic VCV003591555.1). It is classified as likely pathogenic according to the recommendations of ACMG/AMP/ClinGen SVI guidelines.

Natera, Inc.
Classification: Likely pathogenic for Mucopolysaccharidosis type I. Last evaluated: 2025-12-04. Review status: criteria provided, single submitter. Criteria: Natera Variant Classification Schema (03/2026). Collection method: clinical testing. Allele origin: germline.
Comment: The c.623G>T variant in IDUA is a missense variant predicted to cause substitution of glycine to valine at amino acid 208. This variant is rare in the general population with a frequency below the threshold expected for the associated phenotype(s). This variant has been observed in one or more individuals affected with the associated recessive disease, as either homozygous or compound heterozygous with a second variant (PMID: 11735025). Functional studies show that this variant may disrupt protein function (PMID: 11735025). A different variant at the same position has been determined to be Pathogenic or Likely Pathogenic. Computational prediction algorithms indicate this variant is likely to affect gene or protein function. Given the available evidence, this variant is classified as Likely Pathogenic.

Fulgent Genetics
Classification: Likely pathogenic for Hurler syndrome; Mucopolysaccharidosis, MPS-I-H/S; Mucopolysaccharidosis, MPS-I-S. Last evaluated: 2024-02-26. Review status: criteria provided, single submitter. Criteria: ACMG Guidelines, 2015. Collection method: clinical testing. Allele origin: germline.

Literature cited by the submitters: PubMed 11735025 (cited by Natera, Inc.).